The following is an entry in ClinVar:

ClinVar aggregate classification (germline): Uncertain significance (1 of 4 stars; one submission).

Conditions:
Hereditary cancer-predisposing syndrome. Also called: Neoplastic Syndromes, Hereditary; Tumor predisposition; Hereditary Cancer Syndrome; Hereditary neoplastic syndrome. Identifiers: Orphanet 140162, MedGen C0027672, MeSH D009386, MONDO:0015356.

Submission:

Ambry Genetics
Classification: Uncertain significance for Hereditary cancer-predisposing syndrome. Last evaluated: 2026-04-20. Review status: criteria provided, single submitter. Criteria: Ambry Variant Classification Scheme 2023. Collection method: clinical testing. Allele origin: germline.
Comment: The p.S376C variant (also known as c.1126A>T), located in coding exon 10 of the SMARCE1 gene, results from an A to T substitution at nucleotide position 1126. The serine at codon 376 is replaced by cysteine, an amino acid with dissimilar properties. This amino acid position is conserved. In addition, this alteration is predicted to be tolerated by in silico analysis. Based on the available evidence, the clinical significance of this variant remains unclear.

NM_003079.5(SMARCE1):c.1126A>T (p.Ser376Cys)

Gene: SMARCE1 (SWI/SNF related BAF chromatin remodeling complex subunit E1; minus strand). Cytogenetic location: 17q21.2.
Variant type: single nucleotide variant.
Coding change: c.1126A>T on transcript NM_003079.5 (MANE Select); coding-DNA position 1126, A replaced by T.
Protein change: p.Ser376Cys; replaces serine 376 with cysteine.
Molecular consequence: missense variant.
Genome position (GRCh38, 1-based): chr17:40,628,895, T>A on the plus strand (A>T on the coding strand, the complement: SMARCE1 is on the minus strand). VCF-style: chr17-40628895-T-A. GRCh37 (hg19) VCF-style: chr17-38785147-T-A.
Other names: short protein forms S376C.
Identifiers: ClinVar variation 4864870 (VCV004864870.1).